The following is an entry in ClinVar:

ClinVar aggregate classification (germline): Uncertain significance (1 of 4 stars; one submission).

gnomAD v4.1: 3 of 1,613,440 alleles (0.00019%); highest among the groups gnomAD compares: South Asian, 0.0033%; no homozygotes.

Submission:

Labcorp Genetics (formerly Invitae), Labcorp
Classification: Uncertain significance. Last evaluated: 2025-12-17. Review status: criteria provided, single submitter. Criteria: Invitae Variant Classification Sherloc (09022015). Collection method: clinical testing. Allele origin: germline.
Comment: This sequence change replaces glutamic acid, which is acidic and polar, with aspartic acid, which is acidic and polar, at codon 176 of the KRT17 protein (p.Glu176Asp). This variant is present in population databases (no rsID available, gnomAD 0.006%). This variant has not been reported in the literature in individuals affected with KRT17-related conditions. Invitae Evidence Modeling of protein sequence and biophysical properties (such as structural, functional, and spatial information, amino acid conservation, physicochemical variation, residue mobility, and thermodynamic stability) has been performed for this missense variant. However, the output from this modeling did not meet the statistical confidence thresholds required to predict the impact of this variant on KRT17 protein function. In summary, the available evidence is currently insufficient to determine the role of this variant in disease. Therefore, it has been classified as a Variant of Uncertain Significance.

NM_000422.3(KRT17):c.528G>C (p.Glu176Asp)

Gene: KRT17 (keratin 17; minus strand). Cytogenetic location: 17q21.2.
Variant type: single nucleotide variant.
Coding change: c.528G>C on transcript NM_000422.3 (MANE Select); coding-DNA position 528, G replaced by C.
Protein change: p.Glu176Asp; replaces glutamic acid 176 with aspartic acid.
Molecular consequence: missense variant.
Genome position (GRCh38, 1-based): chr17:41,622,499, C>G on the plus strand (G>C on the coding strand, the complement: KRT17 is on the minus strand). VCF-style: chr17-41622499-C-G. GRCh37 (hg19) VCF-style: chr17-39778751-C-G.
Other names: short protein forms E176D.
Identifiers: ClinVar variation 4709805 (VCV004709805.1).